The following is an entry in ClinVar:

ClinVar aggregate classification (germline): Uncertain significance. Review status: criteria provided, multiple submitters, no conflicts (2 of 4 stars). 2 submissions from 2 submitters: Uncertain significance (2). Last evaluated 2025-09-26.

Conditions:
Charcot-Marie-Tooth disease type 4. Also called: Charcot-Marie-Tooth disease, type IV; Charcot-Marie-Tooth, Type 4. Identifiers: Orphanet 64749, MedGen C4082197, MONDO:0018995.
Inborn genetic diseases. Identifiers: MedGen C0950123, MeSH D030342.

Allele frequency attached by ClinVar (database versions not stated): gnomAD exomes below 0.00001.
gnomAD v4.1: 6 of 1,599,750 alleles (0.00038%); highest among the groups gnomAD compares: South Asian, 0.0011%; no homozygotes.

Submissions (2):

Ambry Genetics
Classification: Uncertain significance for Inborn genetic diseases. Last evaluated: 2025-09-26. Review status: criteria provided, single submitter. Criteria: Ambry Variant Classification Scheme 2023. Collection method: clinical testing. Allele origin: germline.

Labcorp Genetics (formerly Invitae), Labcorp
Classification: Uncertain significance for Charcot-Marie-Tooth disease type 4. Last evaluated: 2022-04-11. Review status: criteria provided, single submitter. Criteria: Invitae Variant Classification Sherloc (09022015). Collection method: clinical testing. Allele origin: germline.
Comment: In summary, the available evidence is currently insufficient to determine the role of this variant in disease. Therefore, it has been classified as a Variant of Uncertain Significance. Algorithms developed to predict the effect of missense changes on protein structure and function (SIFT, PolyPhen-2, Align-GVGD) all suggest that this variant is likely to be tolerated. This variant has not been reported in the literature in individuals affected with PRX-related conditions. This variant is not present in population databases (gnomAD no frequency). This sequence change replaces threonine, which is neutral and polar, with isoleucine, which is neutral and non-polar, at codon 305 of the PRX protein (p.Thr305Ile).

NM_181882.3(PRX):c.914C>T (p.Thr305Ile)

Gene: PRX (periaxin; minus strand). Cytogenetic location: 19q13.2.
Variant type: single nucleotide variant.
Coding change: c.914C>T on transcript NM_181882.3 (MANE Select); coding-DNA position 914, C replaced by T.
Protein change: p.Thr305Ile; replaces threonine 305 with isoleucine.
Molecular consequence: missense variant. On other transcripts: 3 prime UTR variant (1).
Genome position (GRCh38, 1-based): chr19:40,397,438, G>A on the plus strand (C>T on the coding strand, the complement: PRX is on the minus strand). VCF-style: chr19-40397438-G-A. GRCh37 (hg19) VCF-style: chr19-40903345-G-A.
Other names: c.1199C>T, p.Thr400Ile (NM_001411127.1); c.*1119C>T (NM_020956.2); short protein forms T305I, T400I.
Identifiers: ClinVar variation 2124846 (VCV002124846.5), dbSNP rs1180120415, ClinGen allele CA405899435.
Genomic context (GRCh38, chr19:40,397,438, plus strand): 5'-GTGGGCACCACTACCGACACAGCCCCTTCCCGGGTCTCTAGGCAGGGAAGTGTGGGCAGA[G>A]TGGGCAGTGAGGGCAAGGCAGGCAGCTCCACCTGGGGGACCTGGATTCCCACGGCTGGGG-3'
Protein context (NP_870998.2, residues 295-315): VELPALPSLP[Thr305Ile]LPTLPCLETR